The following is an entry in ClinVar:

ClinVar aggregate classification (germline): Uncertain significance (1 of 4 stars; one submission).

Conditions:
Werner syndrome (WRN). Identifiers: Orphanet 902, MedGen C0043119, MONDO:0010196, OMIM 277700.

Submission:

Labcorp Genetics (formerly Invitae), Labcorp
Classification: Uncertain significance for Werner syndrome. Last evaluated: 2022-04-05. Review status: criteria provided, single submitter. Criteria: Invitae Variant Classification Sherloc (09022015). Collection method: clinical testing. Allele origin: germline.
Comment: In summary, the available evidence is currently insufficient to determine the role of this variant in disease. Therefore, it has been classified as a Variant of Uncertain Significance. Algorithms developed to predict the effect of missense changes on protein structure and function output the following: SIFT: "Not Available"; PolyPhen-2: "Benign"; Align-GVGD: "Not Available". The leucine amino acid residue is found in multiple mammalian species, which suggests that this missense change does not adversely affect protein function. This variant has not been reported in the literature in individuals affected with WRN-related conditions. This variant is not present in population databases (gnomAD no frequency). This sequence change replaces valine, which is neutral and non-polar, with leucine, which is neutral and non-polar, at codon 641 of the WRN protein (p.Val641Leu).

NM_000553.6(WRN):c.1921G>T (p.Val641Leu)

Gene: WRN (WRN RecQ like helicase; plus strand). Cytogenetic location: 8p12.
Variant type: single nucleotide variant.
Coding change: c.1921G>T on transcript NM_000553.6 (MANE Select); coding-DNA position 1921, G replaced by T.
Protein change: p.Val641Leu; replaces valine 641 with leucine.
Molecular consequence: missense variant.
Genome position (GRCh38, 1-based): chr8:31,096,790, G>T. VCF-style: chr8-31096790-G-T. GRCh37 (hg19) VCF-style: chr8-30954306-G-T.
Other names: short protein forms V641L.
Identifiers: ClinVar variation 2121734 (VCV002121734.4), dbSNP rs572026265, ClinGen allele CA370929650.